The following is an entry in ClinVar:

ClinVar aggregate classification (germline): Uncertain significance (1 of 4 stars; one submission).

Allele frequency attached by ClinVar (database versions not stated): TOPMed below 0.00001; ExAC 0.00001; gnomAD 0.00001; gnomAD exomes 0.00001.
gnomAD v4.1: 9 of 1,613,288 alleles (0.00056%); highest among the groups gnomAD compares: Admixed American, 0.005%; no homozygotes.

Submission:

Labcorp Genetics (formerly Invitae), Labcorp
Classification: Uncertain significance. Last evaluated: 2025-05-14. Review status: criteria provided, single submitter. Criteria: Invitae Variant Classification Sherloc (09022015). Collection method: clinical testing. Allele origin: germline.
Comment: This sequence change replaces glutamic acid, which is acidic and polar, with lysine, which is basic and polar, at codon 182 of the PACS2 protein (p.Glu182Lys). This variant is present in population databases (rs782118466, gnomAD 0.006%). This variant has not been reported in the literature in individuals affected with PACS2-related conditions. ClinVar contains an entry for this variant (Variation ID: 1960599). An algorithm developed to predict the effect of missense changes on protein structure and function (PolyPhen-2) suggests that this variant is likely to be disruptive. In summary, the available evidence is currently insufficient to determine the role of this variant in disease. Therefore, it has been classified as a Variant of Uncertain Significance.

NM_001100913.3(PACS2):c.544G>A (p.Glu182Lys)

Gene: PACS2 (phosphofurin acidic cluster sorting protein 2; plus strand). Cytogenetic location: 14q32.33.
Variant type: single nucleotide variant.
Coding change: c.544G>A on transcript NM_001100913.3 (MANE Select); coding-DNA position 544, G replaced by A.
Protein change: p.Glu182Lys; replaces glutamic acid 182 with lysine.
Molecular consequence: missense variant.
Genome position (GRCh38, 1-based): chr14:105,367,333, G>A. VCF-style: chr14-105367333-G-A. GRCh37 (hg19) VCF-style: chr14-105833670-G-A.
Other names: c.343G>A, p.Glu115Lys (NM_001243127.3); c.544G>A, p.Glu182Lys (NM_015197.4); short protein forms E115K, E182K.
Identifiers: ClinVar variation 1960599 (VCV001960599.5), dbSNP rs782118466, ClinGen allele CA7388408.